The following is an entry in ClinVar:

NM_052947.4(ALPK2):c.1286T>C (p.Met429Thr)

Gene: ALPK2 (alpha kinase 2; minus strand). Cytogenetic location: 18q21.31.
Variant type: single nucleotide variant.
Coding change: c.1286T>C on transcript NM_052947.4 (MANE Select); coding-DNA position 1286, T replaced by C.
Protein change: p.Met429Thr; replaces methionine 429 with threonine.
Molecular consequence: missense variant.
Genome position (GRCh38, 1-based): chr18:58,579,490, A>G on the plus strand (T>C on the coding strand, the complement: ALPK2 is on the minus strand). VCF-style: chr18-58579490-A-G. GRCh37 (hg19) VCF-style: chr18-56246722-A-G.
Other names: short protein forms M429T.
Identifiers: ClinVar variation 2449246 (VCV002449246.2), dbSNP rs2518899211, ClinGen allele CA402563672.

ClinVar aggregate classification (germline): Uncertain significance (1 of 4 stars; one submission).

Submission:

Ambry Genetics
Classification: Uncertain significance. Last evaluated: 2022-12-31. Review status: criteria provided, single submitter. Criteria: Ambry Variant Classification Scheme 2023. Collection method: clinical testing. Allele origin: germline.
Comment: The p.M429T variant (also known as c.1286T>C), located in coding exon 3 of the ALPK2 gene, results from a T to C substitution at nucleotide position 1286. The methionine at codon 429 is replaced by threonine, an amino acid with similar properties. This amino acid position is conserved. In addition, this alteration is predicted to be tolerated by in silico analysis. Since supporting evidence is limited at this time, the clinical significance of this alteration remains unclear.